The following is an entry in ClinVar:

ClinVar aggregate classification (germline): Uncertain significance (1 of 4 stars; one submission).

Conditions:
Early-infantile DEE. Also called: Ohtahara syndrome; Early infantile epileptic encephalopathy with suppression bursts; Early infantile epileptic encephalopathy. Identifiers: Orphanet 1934, MedGen C0393706, MONDO:0800491.

Allele frequency attached by ClinVar (database versions not stated): TOPMed 0.00002; gnomAD 0.00003; ESP Exome Variant Server 0.00008; gnomAD exomes below 0.00001.
gnomAD v4.1: 7 of 1,613,290 alleles (0.00043%); highest among the groups gnomAD compares: African/African-American, 0.008%; no homozygotes.

Submission:

Labcorp Genetics (formerly Invitae), Labcorp
Classification: Uncertain significance for Early-infantile DEE. Last evaluated: 2025-11-22. Review status: criteria provided, single submitter. Criteria: Invitae Variant Classification Sherloc (09022015). Collection method: clinical testing. Allele origin: germline.
Comment: This sequence change replaces alanine, which is neutral and non-polar, with aspartic acid, which is acidic and polar, at codon 1981 of the SCN1A protein (p.Ala1981Asp). This variant is present in population databases (rs148986284, gnomAD 0.02%). This variant has not been reported in the literature in individuals affected with SCN1A-related conditions. ClinVar contains an entry for this variant (Variation ID: 2165612). Invitae Evidence Modeling of protein sequence and biophysical properties (such as structural, functional, and spatial information, amino acid conservation, physicochemical variation, residue mobility, and thermodynamic stability) indicates that this missense variant is not expected to disrupt SCN1A protein function with a negative predictive value of 95%. In summary, the available evidence is currently insufficient to determine the role of this variant in disease. Therefore, it has been classified as a Variant of Uncertain Significance.

NM_001165963.4(SCN1A):c.5942C>A (p.Ala1981Asp)

Genes: SCN1A (sodium voltage-gated channel alpha subunit 1; minus strand), LOC102724058 (uncharacterized LOC102724058; plus strand). Cytogenetic location: 2q24.3.
Variant type: single nucleotide variant.
Coding change: c.5942C>A on transcript NM_001165963.4 (MANE Select); coding-DNA position 5942, C replaced by A.
Protein change: p.Ala1981Asp; replaces alanine 1981 with aspartic acid.
Molecular consequence: missense variant. On other transcripts: non-coding transcript variant (1).
Genome position (GRCh38, 1-based): chr2:165,991,333, G>T on the plus strand (C>A on the coding strand, the complement: SCN1A is on the minus strand). VCF-style: chr2-165991333-G-T. GRCh37 (hg19) VCF-style: chr2-166847843-G-T.
Other names: c.5858C>A, p.Ala1953Asp (NM_001165964.3, NM_001353957.2, NM_001353958.2); c.5942C>A, p.Ala1981Asp (NM_001202435.3, NM_001353948.2); c.5909C>A, p.Ala1970Asp (NM_001353949.2, NM_001353950.2, NM_001353951.2 and 2 more transcripts); c.5906C>A, p.Ala1969Asp (NM_001353954.2, NM_001353955.2); c.5855C>A, p.Ala1952Asp (NM_001353960.2); c.3500C>A, p.Ala1167Asp (NM_001353961.2); short protein forms A1970D, A1981D, A1167D, A1952D, A1969D, A1953D.
Identifiers: ClinVar variation 2165612 (VCV002165612.4), dbSNP rs148986284, ClinGen allele CA317686.
Genomic context (GRCh38, chr2:165,991,333, plus strand): 5'-CCTTCTTGCTCATGTTTTTCCACAATTGGCTTTGTCACCCGGTCATAGGAAGGTGGACAA[G>T]CTGCAGTGGACATGGTCAGATCAGTTTTTTCTGTAATAGAGTTTTCATTTATTCTGTCAA-3'
Protein context (NP_001159435.1, residues 1971-1991): EKTDLTMSTA[Ala1981Asp]CPPSYDRVTK